The following is an entry in ClinVar:

NM_213655.5(WNK1):c.2923G>A (p.Gly975Arg)

Gene: WNK1 (WNK lysine deficient protein kinase 1; plus strand). Cytogenetic location: 12p13.33.
Variant type: single nucleotide variant.
Coding change: c.2923G>A on transcript NM_213655.5 (MANE Plus Clinical); coding-DNA position 2923, G replaced by A.
Protein change: p.Gly975Arg; replaces glycine 975 with arginine.
Molecular consequence: missense variant. On other transcripts: intron variant (2).
Genome position (GRCh38, 1-based): chr12:868,394, G>A. VCF-style: chr12-868394-G-A. GRCh37 (hg19) VCF-style: chr12-977560-G-A.
Other names: c.2668G>A, p.Gly890Arg (NM_001184985.2); c.2140-2871G>A (NM_018979.4, NM_014823.3); short protein forms G890R, G975R.
Identifiers: ClinVar variation 3759162 (VCV003759162.2).
Genomic context (GRCh38, chr12:868,394, plus strand): 5'-TACAACTCATCAGTACTGTCAAGTCCTATGAAACAGATACCTGAACAGAAGCCAGTACAA[G>A]GGGGCCCTACTTCAAGTTCTGTCTTTGAATTTCCATCTGGACAGGCTTTCCTGGTAGGAC-3'
Protein context (NP_998820.3, residues 965-985): KQIPEQKPVQ[Gly975Arg]GPTSSSVFEF

ClinVar aggregate classification (germline): Uncertain significance (1 of 4 stars; one submission).

Conditions:
Neuropathy, hereditary sensory and autonomic, type 2A (HSAN2A). Also called: ACROOSTEOLYSIS, GIACCAI TYPE; ACROOSTEOLYSIS, NEUROGENIC; MORVAN DISEASE; NEUROPATHY, CONGENITAL SENSORY; NEUROPATHY, HEREDITARY SENSORY RADICULAR, AUTOSOMAL RECESSIVE; NEUROPATHY, HEREDITARY SENSORY, TYPE IIA. Identifiers: Orphanet 970, MedGen C2752089, MONDO:0024309, OMIM 201300.
Pseudohypoaldosteronism type 2C (PHA2C). Also called: Pseudohypoaldosteronism Type IIC. Identifiers: Orphanet 757, Orphanet 88940, MedGen C1840391, MONDO:0013778, OMIM 614492.

gnomAD v4.1: 6 of 1,613,910 alleles (0.00037%); highest among the groups gnomAD compares: East Asian, 0.0089%; no homozygotes.

Submission:

Labcorp Genetics (formerly Invitae), Labcorp
Classification: Uncertain significance for Neuropathy, hereditary sensory and autonomic, type 2A; Pseudohypoaldosteronism type 2C. Last evaluated: 2024-08-21. Review status: criteria provided, single submitter. Criteria: Invitae Variant Classification Sherloc (09022015). Collection method: clinical testing. Allele origin: germline.
Comment: This sequence change replaces glycine, which is neutral and non-polar, with arginine, which is basic and polar, at codon 975 of the WNK1 protein (p.Gly975Arg). This variant is present in population databases (rs563030804, gnomAD 0.006%). This variant has not been reported in the literature in individuals affected with WNK1-related conditions. Invitae Evidence Modeling of protein sequence and biophysical properties (such as structural, functional, and spatial information, amino acid conservation, physicochemical variation, residue mobility, and thermodynamic stability) indicates that this missense variant is not expected to disrupt WNK1 protein function with a negative predictive value of 95%. In summary, the available evidence is currently insufficient to determine the role of this variant in disease. Therefore, it has been classified as a Variant of Uncertain Significance.